The following is an entry in ClinVar:

ClinVar aggregate classification (germline): Pathogenic (1 of 4 stars; one submission).

Conditions:
Primary ciliary dyskinesia. Also called: Ciliary dyskinesia. Identifiers: Orphanet 244, MedGen C0008780, MONDO:0016575, HP:0012265.

Submission:

Labcorp Genetics (formerly Invitae), Labcorp
Classification: Pathogenic for Primary ciliary dyskinesia. Last evaluated: 2022-10-13. Review status: criteria provided, single submitter. Criteria: Invitae Variant Classification Sherloc (09022015). Collection method: clinical testing. Allele origin: germline.
Comment: This variant is a gross deletion of the genomic region encompassing exon(s) 5-8 of the DNAI1 gene. This variant would be expected to be in-frame, preserving the integrity of the reading frame. This variant has not been reported in the literature in individuals affected with DNAI1-related conditions. This variant disrupts a region of the DNAI1 protein in which other variant(s) (p.Arg124Cys) have been determined to be pathogenic (Invitae). This suggests that this is a clinically significant region of the protein, and that variants that disrupt it are likely to be disease-causing. For these reasons, this variant has been classified as Pathogenic.

NC_000009.11:g.(?_34489301)_(34491572_?)del

Gene: DNAI1 (dynein axonemal intermediate chain 1; plus strand). Cytogenetic location: 9p13.3.
Variant type: Deletion.
Identifiers: ClinVar variation 2425769 (VCV002425769.12).